The following is an entry in ClinVar:

NM_004415.4(DSP):c.25_38del (p.Pro9fs)

Genes: DSP (desmoplakin; plus strand), DSP-AS1 (DSP antisense RNA 1; minus strand). Cytogenetic location: 6p24.3.
Variant type: Deletion.
Coding change: c.25_38del on transcript NM_004415.4 (MANE Select); coding-DNA positions 25 to 38, 14 bases deleted (CCGCGGATCAACAC).
Protein change: p.Pro9fs; shifts the reading frame from proline 9.
Molecular consequence: frameshift variant.
Genome position (GRCh38, 1-based): chr6:7,541,940-7,541,953, CCGCGGATCAACAC deleted; deleting any 14 consecutive bases within chr6:7,541,937-7,541,953 gives the same sequence; the c. name uses the placement nearest the transcript's 3' end. VCF-style (leftmost placement, unchanged base first): chr6-7541936-CCACCCGCGGATCAA-C. GRCh37 (hg19) VCF-style: chr6-7542169-CCACCCGCGGATCAA-C.
Other names: c.25_38del, p.Pro9fs (NM_001008844.3, NM_001319034.2, NM_001406591.1); short protein forms P9fs.
Identifiers: ClinVar variation 4784643 (VCV004784643.1).

ClinVar aggregate classification (germline): Pathogenic (1 of 4 stars; one submission).

Conditions:
Arrhythmogenic right ventricular dysplasia 8 (ARVD8). Also called: Arrhythmogenic Right Ventricular Dysplasia/Cardiomyopathy 8; ARRHYTHMOGENIC RIGHT VENTRICULAR DYSPLASIA, FAMILIAL, 8; ARRHYTHMOGENIC RIGHT VENTRICULAR CARDIOMYOPATHY 8. Identifiers: MedGen C1843896, MONDO:0011831, OMIM 607450.
Arrhythmogenic cardiomyopathy with wooly hair and keratoderma. Also called: PALMOPLANTAR KERATODERMA WITH LEFT VENTRICULAR CARDIOMYOPATHY AND WOOLLY HAIR; Arrhythmogenic cardiomyopathy with woolly hair and keratoderma; Carvajal syndrome; Dilated cardiomyopathy with woolly hair and keratoderma. Identifiers: Orphanet 65282, MedGen C1854063, MONDO:0011581, OMIM 605676.

Submission:

Labcorp Genetics (formerly Invitae), Labcorp
Classification: Pathogenic for Arrhythmogenic cardiomyopathy with wooly hair and keratoderma; Arrhythmogenic right ventricular dysplasia 8. Last evaluated: 2025-07-09. Review status: criteria provided, single submitter. Criteria: Invitae Variant Classification Sherloc (09022015). Collection method: clinical testing. Allele origin: germline.
Comment: This sequence change creates a premature translational stop signal (p.Pro9Serfs*79) in the DSP gene. It is expected to result in an absent or disrupted protein product. Loss-of-function variants in DSP are known to be pathogenic (PMID: 20716751, 24503780, 25227139). This variant is not present in population databases (gnomAD no frequency). This variant has not been reported in the literature in individuals affected with DSP-related conditions. For these reasons, this variant has been classified as Pathogenic.

Literature cited by the submitters: PubMed 20716751; PubMed 24503780; PubMed 25227139.